The following is an entry in ClinVar:

NM_003743.5(NCOA1):c.3077C>T (p.Thr1026Ile)

Gene: NCOA1 (nuclear receptor coactivator 1; plus strand). Cytogenetic location: 2p23.3.
Variant type: single nucleotide variant.
Coding change: c.3077C>T on transcript NM_003743.5 (MANE Select); coding-DNA position 3077, C replaced by T.
Protein change: p.Thr1026Ile; replaces threonine 1026 with isoleucine.
Molecular consequence: missense variant.
Genome position (GRCh38, 1-based): chr2:24,729,691, C>T. VCF-style: chr2-24729691-C-T. GRCh37 (hg19) VCF-style: chr2-24952560-C-T.
Other names: c.3077C>T, p.Thr1026Ile (NM_001362950.1, NM_001362952.1, NM_001362954.1 and 3 more transcripts); short protein forms T1026I.
Identifiers: ClinVar variation 3350738 (VCV003350738.1).

ClinVar aggregate classification (germline): Uncertain significance (0 of 4 stars; one submission).

Conditions:
NCOA1-related disorder. Also called: NCOA1-related condition.

gnomAD v4.1: 2 of 1,614,110 alleles (0.00012%); highest among the groups gnomAD compares: Non-Finnish European, 0.00017%; no homozygotes.

Submission:

PreventionGenetics, part of Exact Sciences
Classification: Uncertain significance for NCOA1-related condition. Last evaluated: 2024-03-05. Review status: no assertion criteria provided. Collection method: clinical testing. Allele origin: germline.
Comment: The NCOA1 c.3077C>T variant is predicted to result in the amino acid substitution p.Thr1026Ile. To our knowledge, this variant has not been reported in the literature. This variant is reported in 0.00088% of alleles in individuals of European (Non-Finnish) descent in gnomAD. At this time, the clinical significance of this variant is uncertain due to the absence of conclusive functional and genetic evidence.